The following is an entry in ClinVar:

NM_007294.4(BRCA1):c.1206G>T (p.Glu402Asp)

Gene: BRCA1 (BRCA1 DNA repair associated; minus strand). Cytogenetic location: 17q21.31.
Variant type: single nucleotide variant.
Coding change: c.1206G>T on transcript NM_007294.4 (MANE Select); coding-DNA position 1206, G replaced by T.
Protein change: p.Glu402Asp; replaces glutamic acid 402 with aspartic acid.
Molecular consequence: missense variant. On other transcripts: intron variant (137).
Genome position (GRCh38, 1-based): chr17:43,094,325, C>A on the plus strand (G>T on the coding strand, the complement: BRCA1 is on the minus strand). VCF-style: chr17-43094325-C-A. GRCh37 (hg19) VCF-style: chr17-41246342-C-A.
Other names: c.1062G>T, p.Glu354Asp (NM_001407845.1, NM_001407846.1, NM_001407847.1 and 20 more transcripts); c.1065G>T, p.Glu355Asp (NM_001407851.1, NM_001407850.1, NM_001407852.1 and 29 more transcripts); c.993G>T, p.Glu331Asp (NM_001407853.1, NM_001407571.1, NM_001407894.1 and 9 more transcripts); c.1206G>T, p.Glu402Asp (NM_001407858.1, NM_001407854.1, NM_001407581.1 and 30 more transcripts); c.1203G>T, p.Glu401Asp (NM_001407587.1, NM_001407590.1, NM_001407591.1 and 22 more transcripts); c.1080G>T, p.Glu360Asp (NM_001407691.1, NM_001407649.1, NM_001407670.1 and 11 more transcripts); c.1197G>T, p.Glu399Asp (NM_001407646.1, NM_001407647.1); c.1083G>T, p.Glu361Asp (NM_001407648.1, NM_001407664.1, NM_001407665.1 and 19 more transcripts); and 40 more; short protein forms E355D, E402D, E313D, E354D, E399D, E290D, E291D, E332D.
Identifiers: ClinVar variation 1172310 (VCV001172310.23), dbSNP rs1283231905, ClinGen allele CA10599638.
Genomic context (GRCh38, chr17:43,094,325, plus strand): 5'-ATATTCATCTACCTCATTTAGAACGTCCAATACATCAGCTACTTTGGCATTTGATTCAGA[C>A]TCCCCATCATGTGAGTCATCAGAACCTAACAGTTCATCACTTCTGGAAAACCACTCATTA-3'
Protein context (NP_009225.1, residues 392-412): LLGSDDSHDG[Glu402Asp]SESNAKVADV

ClinVar aggregate classification (germline): Conflicting classifications of pathogenicity. Review status: criteria provided, conflicting classifications (1 of 4 stars). 4 submissions from 4 submitters: Uncertain significance (3); Likely benign (1). Last evaluated 2025-04-16.

Conditions:
Hereditary cancer-predisposing syndrome. Also called: Tumor predisposition; Hereditary neoplastic syndrome; Hereditary Cancer Syndrome; Neoplastic Syndromes, Hereditary. Identifiers: Orphanet 140162, MedGen C0027672, MeSH D009386, MONDO:0015356.
Hereditary breast ovarian cancer syndrome. Also called: Hereditary breast and ovarian cancer; Hereditary breast and ovarian cancer syndrome; Hereditary breast and/or ovarian cancer syndrome; BRCA1- and BRCA2-Associated Hereditary Breast and Ovarian Cancer; Hereditary breast and ovarian cancer syndrome (HBOC); Breast and ovarian cancer. Identifiers: Orphanet 145, MedGen C0677776, MeSH D061325, MONDO:0003582. Disease mechanism: loss of function.

Allele frequency attached by ClinVar (database versions not stated): gnomAD exomes below 0.00001.
gnomAD v4.1: 2 of 1,614,160 alleles (0.00012%); highest among the groups gnomAD compares: Middle Eastern, 0.033%; no homozygotes.

Submissions (4):

Labcorp Genetics (formerly Invitae), Labcorp
Classification: Uncertain significance for Hereditary breast ovarian cancer syndrome. Last evaluated: 2025-04-16. Review status: criteria provided, single submitter. Criteria: Invitae Variant Classification Sherloc (09022015). Collection method: clinical testing. Allele origin: germline.
Comment: This sequence change replaces glutamic acid, which is acidic and polar, with aspartic acid, which is acidic and polar, at codon 402 of the BRCA1 protein (p.Glu402Asp). This variant is present in population databases (no rsID available, gnomAD 0.0009%). This variant has not been reported in the literature in individuals affected with BRCA1-related conditions. ClinVar contains an entry for this variant (Variation ID: 1172310). Invitae Evidence Modeling of protein sequence and biophysical properties (such as structural, functional, and spatial information, amino acid conservation, physicochemical variation, residue mobility, and thermodynamic stability) indicates that this missense variant is not expected to disrupt BRCA1 protein function with a negative predictive value of 80%. In summary, the available evidence is currently insufficient to determine the role of this variant in disease. Therefore, it has been classified as a Variant of Uncertain Significance.

Ambry Genetics
Classification: Uncertain significance for Hereditary cancer-predisposing syndrome. Last evaluated: 2024-05-18. Review status: criteria provided, single submitter. Criteria: Ambry Variant Classification Scheme 2023. Collection method: clinical testing. Allele origin: germline.
Comment: The p.E402D variant (also known as c.1206G>T), located in coding exon 9 of the BRCA1 gene, results from a G to T substitution at nucleotide position 1206. The glutamic acid at codon 402 is replaced by aspartic acid, an amino acid with highly similar properties. This amino acid position is poorly conserved in available vertebrate species. In addition, the in silico prediction for this alteration is inconclusive. Since supporting evidence is limited at this time, the clinical significance of this alteration remains unclear.

University of Washington Department of Laboratory Medicine, University of Washington
Classification: Likely benign for Hereditary cancer-predisposing syndrome. Last evaluated: 2023-03-23. Review status: criteria provided, single submitter. Criteria: Dines et al. (Genet Med. 2020). Collection method: curation. Allele origin: germline.
Comment: Missense variant in a coldspot region where missense variants are very unlikely to be pathogenic (PMID:31911673).

BRCA1 coldspot (exon 11 using historical exon numbering). Reclassification based on statistical prior probability

Color Diagnostics, LLC DBA Color Health
Classification: Uncertain significance for Hereditary cancer-predisposing syndrome. Last evaluated: 2020-06-09. Review status: criteria provided, single submitter. Criteria: ACMG Guidelines, 2015. Collection method: clinical testing. Allele origin: germline.
Comment: This missense variant replaces glutamic acid with aspartic acid at codon 402 of the BRCA1 protein. Computational prediction is inconclusive regarding the impact of this variant on protein structure and function (internally defined REVEL score threshold 0.5 < inconclusive < 0.7, PMID: 27666373). To our knowledge, functional studies have not been reported for this variant. This variant has not been reported in individuals affected with hereditary cancer in the literature. This variant has been identified in 1/250852 chromosomes in the general population by the Genome Aggregation Database (gnomAD). The available evidence is insufficient to determine the role of this variant in disease conclusively. Therefore, this variant is classified as a Variant of Uncertain Significance.